The following is an entry in ClinVar:

ClinVar aggregate classification (germline): Benign. Review status: criteria provided, single submitter (1 of 4 stars). 2 submissions from 2 submitters: Benign (1). 1 of the submissions does not count toward it. Last evaluated 2025-06-04.

Conditions:
MACF1-related disorder. Also called: MACF1-related condition.

Allele frequency attached by ClinVar (database versions not stated): TOPMed 0.00019; gnomAD 0.00016; ExAC 0.00032; 1000 Genomes Project 30x 0.00078; gnomAD exomes 0.00007; 1000 Genomes Project 0.00080.
gnomAD v4.1: 132 of 1,614,084 alleles (0.0082%); highest among the groups gnomAD compares: East Asian, 0.19%; no homozygotes.

Submissions (2):

Labcorp Genetics (formerly Invitae), Labcorp
Classification: Benign. Last evaluated: 2025-06-04. Review status: criteria provided, single submitter. Criteria: Invitae Variant Classification Sherloc (09022015). Collection method: clinical testing. Allele origin: germline.

PreventionGenetics, part of Exact Sciences
Classification: Likely benign for MACF1-related condition. Last evaluated: 2020-05-29. Review status: no assertion criteria provided. Collection method: clinical testing. Allele origin: germline. Not counted in ClinVar's aggregate classification.
Comment: This variant is classified as likely benign based on ACMG/AMP sequence variant interpretation guidelines (Richards et al. 2015 PMID: 25741868, with internal and published modifications).

NM_001394062.1(MACF1):c.11021A>T (p.Asp3674Val)

Gene: MACF1 (microtubule actin crosslinking factor 1; plus strand). Cytogenetic location: 1p34.3.
Variant type: single nucleotide variant.
Coding change: c.11021A>T on transcript NM_001394062.1 (MANE Select); coding-DNA position 11021, A replaced by T.
Protein change: p.Asp3674Val; replaces aspartic acid 3674 with valine.
Molecular consequence: missense variant.
Genome position (GRCh38, 1-based): chr1:39,350,840, A>T. VCF-style: chr1-39350840-A-T. GRCh37 (hg19) VCF-style: chr1-39816512-A-T.
Other names: c.4835A>T, p.Asp1612Val (NM_012090.5); short protein forms D1612V, D3674V.
Identifiers: ClinVar variation 3057571 (VCV003057571.4), dbSNP rs59084124, ClinGen allele CA781494.